The following is an entry in ClinVar:

ClinVar aggregate classification (germline): Uncertain significance (1 of 4 stars; one submission).

Allele frequency attached by ClinVar (database versions not stated): TOPMed 0.00001; gnomAD exomes 0.00002; ExAC 0.00004.
gnomAD v4.1: 28 of 1,609,172 alleles (0.0017%); highest among the groups gnomAD compares: Middle Eastern, 0.017%; no homozygotes.

Submission:

Labcorp Genetics (formerly Invitae), Labcorp
Classification: Uncertain significance. Last evaluated: 2024-11-05. Review status: criteria provided, single submitter. Criteria: Invitae Variant Classification Sherloc (09022015). Collection method: clinical testing. Allele origin: germline.
Comment: This sequence change replaces methionine, which is neutral and non-polar, with threonine, which is neutral and polar, at codon 608 of the RIMS1 protein (p.Met608Thr). This variant is present in population databases (rs764921828, gnomAD 0.004%). This variant has not been reported in the literature in individuals affected with RIMS1-related conditions. ClinVar contains an entry for this variant (Variation ID: 1020460). An algorithm developed to predict the effect of missense changes on protein structure and function (PolyPhen-2) suggests that this variant is likely to be disruptive. In summary, the available evidence is currently insufficient to determine the role of this variant in disease. Therefore, it has been classified as a Variant of Uncertain Significance.

NM_014989.7(RIMS1):c.1823T>C (p.Met608Thr)

Gene: RIMS1 (regulating synaptic membrane exocytosis 1; plus strand). Cytogenetic location: 6q13.
Variant type: single nucleotide variant.
Coding change: c.1823T>C on transcript NM_014989.7 (MANE Select); coding-DNA position 1823, T replaced by C.
Protein change: p.Met608Thr; replaces methionine 608 with threonine.
Molecular consequence: missense variant. On other transcripts: initiator codon variant (9).
Genome position (GRCh38, 1-based): chr6:72,235,694, T>C. VCF-style: chr6-72235694-T-C. GRCh37 (hg19) VCF-style: chr6-72945397-T-C.
Other names: c.245T>C, p.Met82Thr (NM_001168407.2, NM_001168408.2, NM_001350414.2 and 37 more transcripts); c.2T>C, p.Met1Thr (NM_001168409.2, NM_001350461.2, NM_001350463.2 and 6 more transcripts); c.200T>C, p.Met67Thr (NM_001168410.2, NM_001350470.2, NM_001350472.2 and 2 more transcripts); c.176T>C, p.Met59Thr (NM_001350421.2, NM_001350424.2, NM_001350428.2 and 6 more transcripts); short protein forms M1T, M59T, M608T, M67T, M82T.
Identifiers: ClinVar variation 1020460 (VCV001020460.10), dbSNP rs764921828, ClinGen allele CA3885826.